The following is an entry in ClinVar:

ClinVar aggregate classification (germline): Uncertain significance. Review status: criteria provided, multiple submitters, no conflicts (2 of 4 stars). 3 submissions from 3 submitters: Uncertain significance (3). Last evaluated 2026-04-08.

Conditions:
ADCY3-related disorder. Also called: ADCY3-related condition.
Inborn genetic diseases. Identifiers: MedGen C0950123, MeSH D030342.

gnomAD v4.1: 2 of 1,614,134 alleles (0.00012%); highest among the groups gnomAD compares: Admixed American, 0.0017%; no homozygotes.

Submissions (3):

Ambry Genetics
Classification: Uncertain significance for Inborn genetic diseases. Last evaluated: 2026-04-08. Review status: criteria provided, single submitter. Criteria: Ambry Variant Classification Scheme 2023. Collection method: clinical testing. Allele origin: germline.

PreventionGenetics, part of Exact Sciences
Classification: Uncertain significance for ADCY3-related condition. Last evaluated: 2026-03-03. Review status: criteria provided, single submitter. Criteria: ACMG Guidelines, 2015. Collection method: clinical testing. Allele origin: germline.
Comment: The ADCY3 c.2114G>A variant is predicted to result in the amino acid substitution p.Arg705Lys. To our knowledge, this variant has not been reported in the literature or in a large population database, indicating this variant is rare. At this time, the clinical significance of this variant is uncertain due to the absence of conclusive functional and genetic evidence.

Labcorp Genetics (formerly Invitae), Labcorp
Classification: Uncertain significance. Last evaluated: 2025-04-19. Review status: criteria provided, single submitter. Criteria: Invitae Variant Classification Sherloc (09022015). Collection method: clinical testing. Allele origin: germline.
Comment: This sequence change replaces arginine, which is basic and polar, with lysine, which is basic and polar, at codon 705 of the ADCY3 protein (p.Arg705Lys). This variant is not present in population databases (gnomAD no frequency). This variant has not been reported in the literature in individuals affected with ADCY3-related conditions. ClinVar contains an entry for this variant (Variation ID: 3351125). Invitae Evidence Modeling of protein sequence and biophysical properties (such as structural, functional, and spatial information, amino acid conservation, physicochemical variation, residue mobility, and thermodynamic stability) indicates that this missense variant is not expected to disrupt ADCY3 protein function with a negative predictive value of 80%. In summary, the available evidence is currently insufficient to determine the role of this variant in disease. Therefore, it has been classified as a Variant of Uncertain Significance.

NM_004036.5(ADCY3):c.2114G>A (p.Arg705Lys)

Gene: ADCY3 (adenylate cyclase 3; minus strand). Cytogenetic location: 2p23.3.
Variant type: single nucleotide variant.
Coding change: c.2114G>A on transcript NM_004036.5 (MANE Select); coding-DNA position 2114, G replaced by A.
Protein change: p.Arg705Lys; replaces arginine 705 with lysine.
Molecular consequence: missense variant.
Genome position (GRCh38, 1-based): chr2:24,830,767, C>T on the plus strand (G>A on the coding strand, the complement: ADCY3 is on the minus strand). VCF-style: chr2-24830767-C-T. GRCh37 (hg19) VCF-style: chr2-25053636-C-T.
Other names: c.2114G>A (NM_004036.3); c.2114G>A, p.Arg705Lys (NM_001320613.2, NM_001377129.1, NM_001377130.1 and 1 more transcripts); c.2180G>A, p.Arg727Lys (NM_001377128.1); c.1391G>A, p.Arg464Lys (NM_001377131.1); short protein forms R464K, R705K, R727K.
Identifiers: ClinVar variation 3351125 (VCV003351125.4).
Genomic context (GRCh38, chr2:24,830,767, plus strand): 5'-ACCATGTCCACGACATTTGCCATCACCAGGATGAAGATGGCGAGCATGGCCCAGGTGTTC[C>T]TGGCCCAGCGGGTCCGGTCAATCCAAGTTGAGAAGGCCACAAGCTTCTTAGGAAAGGCCT-3'
Protein context (NP_004027.2, residues 695-715): STWIDRTRWA[Arg705Lys]NTWAMLAIFI